The following is an entry in ClinVar:

NM_006767.4(LZTR1):c.1250A>T (p.Tyr417Phe)

Gene: LZTR1 (leucine zipper like post translational regulator 1; plus strand). Cytogenetic location: 22q11.21.
Variant type: single nucleotide variant.
Coding change: c.1250A>T on transcript NM_006767.4 (MANE Select); coding-DNA position 1250, A replaced by T.
Protein change: p.Tyr417Phe; replaces tyrosine 417 with phenylalanine.
Molecular consequence: missense variant.
Genome position (GRCh38, 1-based): chr22:20,992,894, A>T. VCF-style: chr22-20992894-A-T. GRCh37 (hg19) VCF-style: chr22-21347183-A-T.
Other names: short protein forms Y417F.
Identifiers: ClinVar variation 1760588 (VCV001760588.9), dbSNP rs1057524046, ClinGen allele CA410774128.

ClinVar aggregate classification (germline): Uncertain significance. Review status: criteria provided, multiple submitters, no conflicts (2 of 4 stars). 3 submissions from 3 submitters: Uncertain significance (3). Last evaluated 2025-12-09.

Conditions:
Hereditary cancer-predisposing syndrome. Also called: Neoplastic Syndromes, Hereditary; Tumor predisposition; Hereditary Cancer Syndrome; Hereditary neoplastic syndrome. Identifiers: Orphanet 140162, MedGen C0027672, MeSH D009386, MONDO:0015356.
Cardiovascular phenotype. Identifiers: MedGen CN230736.

Allele frequency attached by ClinVar (database versions not stated): gnomAD exomes below 0.00001.
gnomAD v4.1: 2 of 1,601,154 alleles (0.00012%); highest among the groups gnomAD compares: Middle Eastern, 0.017%; no homozygotes.

Submissions (3):

Labcorp Genetics (formerly Invitae), Labcorp
Classification: Uncertain significance. Last evaluated: 2025-12-09. Review status: criteria provided, single submitter. Criteria: Invitae Variant Classification Sherloc (09022015). Collection method: clinical testing. Allele origin: germline.
Comment: This sequence change replaces tyrosine, which is neutral and polar, with phenylalanine, which is neutral and non-polar, at codon 417 of the LZTR1 protein (p.Tyr417Phe). This variant is not present in population databases (gnomAD no frequency). This variant has not been reported in the literature in individuals affected with LZTR1-related conditions. ClinVar contains an entry for this variant (Variation ID: 1760588). Invitae Evidence Modeling of protein sequence and biophysical properties (such as structural, functional, and spatial information, amino acid conservation, physicochemical variation, residue mobility, and thermodynamic stability) indicates that this missense variant is not expected to disrupt LZTR1 protein function with a negative predictive value of 80%. In summary, the available evidence is currently insufficient to determine the role of this variant in disease. Therefore, it has been classified as a Variant of Uncertain Significance.

Ambry Genetics
Classification: Uncertain significance for Cardiovascular phenotype; Hereditary cancer-predisposing syndrome. Last evaluated: 2025-01-08. Review status: criteria provided, single submitter. Criteria: Ambry Variant Classification Scheme 2023. Collection method: clinical testing. Allele origin: germline.
Comment: The p.Y417F variant (also known as c.1250A>T), located in coding exon 11 of the LZTR1 gene, results from an A to T substitution at nucleotide position 1250. The tyrosine at codon 417 is replaced by phenylalanine, an amino acid with highly similar properties. This amino acid position is highly conserved in available vertebrate species. In addition, this alteration is predicted to be tolerated by in silico analysis. Based on the available evidence, the clinical significance of this variant remains unclear.

Revvity Omics, Revvity
Classification: Uncertain significance. Last evaluated: 2024-10-18. Review status: criteria provided, single submitter. Criteria: ACMG Guidelines, 2015. Collection method: clinical testing. Allele origin: germline.